The following is an entry in ClinVar:

NM_213599.3(ANO5):c.2294A>C (p.Tyr765Ser)

Gene: ANO5 (anoctamin 5; plus strand). Cytogenetic location: 11p14.3.
Variant type: single nucleotide variant.
Coding change: c.2294A>C on transcript NM_213599.3 (MANE Select); coding-DNA position 2294, A replaced by C.
Protein change: p.Tyr765Ser; replaces tyrosine 765 with serine.
Molecular consequence: missense variant.
Genome position (GRCh38, 1-based): chr11:22,274,627, A>C. VCF-style: chr11-22274627-A-C. GRCh37 (hg19) VCF-style: chr11-22296173-A-C.
Other names: c.2291A>C, p.Tyr764Ser (NM_001142649.2); c.2252A>C, p.Tyr751Ser (NM_001410963.1); c.2249A>C, p.Tyr750Ser (NM_001410964.1); short protein forms Y750S, Y764S, Y751S, Y765S.
Identifiers: ClinVar variation 2165171 (VCV002165171.4), dbSNP rs1014191814, ClinGen allele CA379924197.

ClinVar aggregate classification (germline): Uncertain significance (1 of 4 stars; one submission).

Conditions:
Gnathodiaphyseal dysplasia (GDD). Also called: GNATHODIAPHYSEAL SCLEROSIS; OSTEOGENESIS IMPERFECTA WITH UNUSUAL SKELETAL LESIONS. Identifiers: Orphanet 53697, MedGen C1833736, MONDO:0008151, OMIM 166260.
Autosomal recessive limb-girdle muscular dystrophy type 2L (LGMDR12). Also called: Limb-Girdle Muscular Dystrophy R12 Anoctamin-5-Related (LGMD-R12); Limb-girdle muscular dystrophy, type 2L; MUSCULAR DYSTROPHY, LIMB-GIRDLE, AUTOSOMAL RECESSIVE 12. Identifiers: Orphanet 206549, MedGen C1969785, MONDO:0012652, OMIM 611307.

Allele frequency attached by ClinVar (database versions not stated): gnomAD exomes below 0.00001.
gnomAD v4.1: 1 of 1,612,972 alleles (0.000062%); highest among the groups gnomAD compares: Non-Finnish European, 0.000085%; no homozygotes.

Submission:

Labcorp Genetics (formerly Invitae), Labcorp
Classification: Uncertain significance for Autosomal recessive limb-girdle muscular dystrophy type 2L; Gnathodiaphyseal dysplasia. Last evaluated: 2022-06-17. Review status: criteria provided, single submitter. Criteria: Invitae Variant Classification Sherloc (09022015). Collection method: clinical testing. Allele origin: germline.
Comment: This variant is present in population databases (no rsID available, gnomAD 0.0009%). This sequence change replaces tyrosine, which is neutral and polar, with serine, which is neutral and polar, at codon 765 of the ANO5 protein (p.Tyr765Ser). In summary, the available evidence is currently insufficient to determine the role of this variant in disease. Therefore, it has been classified as a Variant of Uncertain Significance. Advanced modeling of protein sequence and biophysical properties (such as structural, functional, and spatial information, amino acid conservation, physicochemical variation, residue mobility, and thermodynamic stability) performed at Invitae indicates that this missense variant is expected to disrupt ANO5 protein function. This variant has not been reported in the literature in individuals affected with ANO5-related conditions.